The following is an entry in ClinVar:

NM_000214.3(JAG1):c.2423G>A (p.Cys808Tyr)

Gene: JAG1 (jagged canonical Notch ligand 1; minus strand). Cytogenetic location: 20p12.2.
Variant type: single nucleotide variant.
Coding change: c.2423G>A on transcript NM_000214.3 (MANE Select); coding-DNA position 2423, G replaced by A.
Protein change: p.Cys808Tyr; replaces cysteine 808 with tyrosine.
Molecular consequence: missense variant.
Genome position (GRCh38, 1-based): chr20:10,643,813, C>T on the plus strand (G>A on the coding strand, the complement: JAG1 is on the minus strand). VCF-style: chr20-10643813-C-T. GRCh37 (hg19) VCF-style: chr20-10624461-C-T.
Other names: short protein forms C808Y.
Identifiers: ClinVar variation 4087800 (VCV004087800.1).

ClinVar aggregate classification (germline): Likely pathogenic (1 of 4 stars; one submission).

Submission:

GeneDx
Classification: Likely pathogenic. Last evaluated: 2025-03-24. Review status: criteria provided, single submitter. Criteria: GeneDx Variant Classification Process June 2021. Collection method: clinical testing. Allele origin: germline. Affected: yes.
Comment: Not observed at significant frequency in large population cohorts (gnomAD); In silico analysis supports that this missense variant has a deleterious effect on protein structure/function; Has not been previously published as pathogenic or benign to our knowledge